The following is an entry in ClinVar:

ClinVar aggregate classification (germline): Uncertain significance. Review status: criteria provided, multiple submitters, no conflicts (2 of 4 stars). 5 submissions from 4 submitters: Uncertain significance (4). 1 of the submissions does not count toward it. Last evaluated 2022-07-20.

Conditions:
Weill-Marchesani syndrome. Also called: WM Syndrome; Mesodermal dysmorphodystrophy congenital. Identifiers: Orphanet 3449, MedGen C0265313, MONDO:0018096.
Inborn genetic diseases. Identifiers: MedGen C0950123, MeSH D030342.
LTBP2-related disorder. Also called: LTBP2-related condition; LTBP2-related disorders.
Glaucoma 3, primary congenital, D. Identifiers: Orphanet 98976, MedGen C2751316, MONDO:0013122, OMIM 613086.

Allele frequency attached by ClinVar (database versions not stated): gnomAD 0.00001 and 0.00003; 1000 Genomes Project 30x 0.00016; TOPMed 0.00001; 1000 Genomes Project 0.00020.
gnomAD v4.1: 82 of 1,613,972 alleles (0.0051%); highest among the groups gnomAD compares: South Asian, 0.063%; 1 homozygote.

Submissions (5):

Ambry Genetics
Classification: Uncertain significance for Inborn genetic diseases. Last evaluated: 2022-07-20. Review status: criteria provided, single submitter. Criteria: Ambry Variant Classification Scheme 2023. Collection method: clinical testing. Allele origin: germline.

Labcorp Genetics (formerly Invitae), Labcorp
Classification: Uncertain significance. Last evaluated: 2022-03-01. Review status: criteria provided, single submitter. Criteria: Invitae Variant Classification Sherloc (09022015). Collection method: clinical testing. Allele origin: germline.
Comment: This sequence change replaces glycine, which is neutral and non-polar, with arginine, which is basic and polar, at codon 1783 of the LTBP2 protein (p.Gly1783Arg). This variant is present in population databases (rs549156119, gnomAD 0.06%). This variant has not been reported in the literature in individuals affected with LTBP2-related conditions. ClinVar contains an entry for this variant (Variation ID: 885418). Algorithms developed to predict the effect of missense changes on protein structure and function (SIFT, PolyPhen-2, Align-GVGD) all suggest that this variant is likely to be disruptive. In summary, the available evidence is currently insufficient to determine the role of this variant in disease. Therefore, it has been classified as a Variant of Uncertain Significance.

Illumina Laboratory Services, Illumina
Classification: Uncertain significance for Weill-Marchesani syndrome. Last evaluated: 2018-01-12. Review status: criteria provided, single submitter. Criteria: ICSL Variant Classification Criteria 13 December 2019. Collection method: clinical testing. Allele origin: germline.

Illumina Laboratory Services, Illumina
Classification: Uncertain significance for Glaucoma 3, primary congenital, D. Last evaluated: 2018-01-12. Review status: criteria provided, single submitter. Criteria: ICSL Variant Classification Criteria 13 December 2019. Collection method: clinical testing. Allele origin: germline.

PreventionGenetics, part of Exact Sciences
Classification: Uncertain significance for LTBP2-related condition. Last evaluated: 2024-06-08. Review status: no assertion criteria provided. Collection method: clinical testing. Allele origin: germline. Not counted in ClinVar's aggregate classification.
Comment: The LTBP2 c.5347G>A variant is predicted to result in the amino acid substitution p.Gly1783Arg. To our knowledge, this variant has not been reported in the literature. This variant is reported in 0.059% of alleles in individuals of South Asian descent in gnomAD. At this time, the clinical significance of this variant is uncertain due to the absence of conclusive functional and genetic evidence.

NM_000428.3(LTBP2):c.5347G>A (p.Gly1783Arg)

Gene: LTBP2 (latent transforming growth factor beta binding protein 2; minus strand). Cytogenetic location: 14q24.3.
Variant type: single nucleotide variant.
Coding change: c.5347G>A on transcript NM_000428.3 (MANE Select); coding-DNA position 5347, G replaced by A.
Protein change: p.Gly1783Arg; replaces glycine 1783 with arginine.
Molecular consequence: missense variant.
Genome position (GRCh38, 1-based): chr14:74,501,003, C>T on the plus strand (G>A on the coding strand, the complement: LTBP2 is on the minus strand). VCF-style: chr14-74501003-C-T. GRCh37 (hg19) VCF-style: chr14-74967706-C-T.
Other names: short protein forms G1783R.
Identifiers: ClinVar variation 885418 (VCV000885418.7), dbSNP rs549156119, ClinGen allele CA7268424.